The following is an entry in ClinVar:

NM_005334.3(HCFC1):c.3254C>T (p.Thr1085Met)

Gene: HCFC1 (host cell factor C1; minus strand). Cytogenetic location: Xq28.
Variant type: single nucleotide variant.
Coding change: c.3254C>T on transcript NM_005334.3 (MANE Select); coding-DNA position 3254, C replaced by T.
Protein change: p.Thr1085Met; replaces threonine 1085 with methionine.
Molecular consequence: missense variant.
Genome position (GRCh38, 1-based): chrX:153,955,145, G>A on the plus strand (C>T on the coding strand, the complement: HCFC1 is on the minus strand). VCF-style: chrX-153955145-G-A. GRCh37 (hg19) VCF-style: chrX-153220596-G-A.
Other names: short protein forms T1085M.
Identifiers: ClinVar variation 1183322 (VCV001183322.3), dbSNP rs782166269, ClinGen allele CA10557224.

ClinVar aggregate classification (germline): Uncertain significance (1 of 4 stars; one submission).

Allele frequency attached by ClinVar (database versions not stated): ExAC 0.00001; gnomAD exomes 0.00001.
gnomAD v4.1: 7 of 1,211,410 alleles (0.00058%); highest among the groups gnomAD compares: Admixed American, 0.0043%; no homozygotes.

Submission:

GeneDx
Classification: Uncertain significance. Last evaluated: 2023-03-10. Review status: criteria provided, single submitter. Criteria: GeneDx Variant Classification Process June 2021. Collection method: clinical testing. Allele origin: germline. Affected: yes.
Comment: In silico analysis supports that this missense variant has a deleterious effect on protein structure/function; Has not been previously published as pathogenic or benign to our knowledge